The following is an entry in ClinVar:

ClinVar aggregate classification (germline): Uncertain significance. Review status: criteria provided, multiple submitters, no conflicts (2 of 4 stars). 5 submissions from 5 submitters: Uncertain significance (4). 1 of the submissions does not count toward it. Last evaluated 2026-04-14.

Conditions:
Bardet-Biedl syndrome (BBS). Identifiers: Orphanet 110, MedGen C0752166, MONDO:0015229.
Bardet-Biedl syndrome 1 (BBS1). Identifiers: MedGen C2936862, MONDO:0008854, OMIM 209900. Disease mechanism: loss of function.
BBS1-related disorder. Also called: BBS1-related condition.

Allele frequency attached by ClinVar (database versions not stated): ESP Exome Variant Server 0.00008; gnomAD exomes below 0.00001 and 0.00002; ExAC 0.00001; gnomAD 0.00001; TOPMed 0.00003.

Submissions (5):

PreventionGenetics, part of Exact Sciences
Classification: Uncertain significance for BBS1-related condition. Last evaluated: 2026-04-14. Review status: criteria provided, single submitter. Criteria: ACMG Guidelines, 2015. Collection method: clinical testing. Allele origin: germline.
Comment: The BBS1 c.587G>A variant is predicted to result in the amino acid substitution p.Arg196Gln. To our knowledge, this variant has not been reported in the literature. This variant is present in 0.0033% of alleles in individuals of South Asian descent in gnomAD, and is classified as a variant of uncertain significance in ClinVar (Variation ID: 1053292). At this time, the clinical significance of this variant is uncertain due to the absence of conclusive functional and genetic evidence.

Fulgent Genetics
Classification: Uncertain significance for Bardet-Biedl syndrome 1. Last evaluated: 2024-01-24. Review status: criteria provided, single submitter. Criteria: ACMG Guidelines, 2015. Collection method: clinical testing. Allele origin: germline.

Labcorp Genetics (formerly Invitae), Labcorp
Classification: Uncertain significance for Bardet-Biedl syndrome. Last evaluated: 2021-08-31. Review status: criteria provided, single submitter. Criteria: Invitae Variant Classification Sherloc (09022015). Collection method: clinical testing. Allele origin: germline.
Comment: This sequence change replaces arginine with glutamine at codon 196 of the BBS1 protein (p.Arg196Gln). The arginine residue is highly conserved and there is a small physicochemical difference between arginine and glutamine. This variant is present in population databases (rs142769864, ExAC 0.002%). This variant has not been reported in the literature in individuals affected with BBS1-related conditions. Algorithms developed to predict the effect of missense changes on protein structure and function are either unavailable or do not agree on the potential impact of this missense change (SIFT: "Tolerated"; PolyPhen-2: "Probably Damaging"; Align-GVGD: "Class C0"). In summary, the available evidence is currently insufficient to determine the role of this variant in disease. Therefore, it has been classified as a Variant of Uncertain Significance.

Blueprint Genetics
Classification: Uncertain significance. Last evaluated: 2021-06-09. Review status: criteria provided, single submitter. Criteria: ACMG Guidelines, 2015. Collection method: clinical testing. Allele origin: germline.

Natera, Inc.
Classification: Uncertain significance for Bardet-Biedl syndrome type 1. Last evaluated: 2020-05-14. Review status: no assertion criteria provided. Collection method: clinical testing. Allele origin: germline. Not counted in ClinVar's aggregate classification.

NM_024649.5(BBS1):c.587G>A (p.Arg196Gln)

Gene: BBS1 (Bardet-Biedl syndrome 1; plus strand). Cytogenetic location: 11q13.2.
Variant type: single nucleotide variant.
Coding change: c.587G>A on transcript NM_024649.5 (MANE Select); coding-DNA position 587, G replaced by A.
Protein change: p.Arg196Gln; replaces arginine 196 with glutamine.
Molecular consequence: missense variant.
Genome position (GRCh38, 1-based): chr11:66,515,929, G>A. VCF-style: chr11-66515929-G-A. GRCh37 (hg19) VCF-style: chr11-66283400-G-A.
Other names: c.587G>A (NM_024649.4); short protein forms R196Q.
Identifiers: ClinVar variation 1053292 (VCV001053292.6), dbSNP rs142769864, ClinGen allele CA6123408.